The following is an entry in ClinVar:

ClinVar aggregate classification (germline): Uncertain significance (1 of 4 stars; one submission).

Submission:

Labcorp Genetics (formerly Invitae), Labcorp
Classification: Uncertain significance. Last evaluated: 2024-06-21. Review status: criteria provided, single submitter. Criteria: Invitae Variant Classification Sherloc (09022015). Collection method: clinical testing. Allele origin: germline.
Comment: This sequence change replaces aspartic acid, which is acidic and polar, with glutamic acid, which is acidic and polar, at codon 1924 of the CACNA1E protein (p.Asp1924Glu). This variant is not present in population databases (gnomAD no frequency). This variant has not been reported in the literature in individuals affected with CACNA1E-related conditions. Advanced modeling of protein sequence and biophysical properties (such as structural, functional, and spatial information, amino acid conservation, physicochemical variation, residue mobility, and thermodynamic stability) performed at Invitae indicates that this missense variant is not expected to disrupt CACNA1E protein function with a negative predictive value of 95%. In summary, the available evidence is currently insufficient to determine the role of this variant in disease. Therefore, it has been classified as a Variant of Uncertain Significance.

NM_001205293.3(CACNA1E):c.5772C>G (p.Asp1924Glu)

Gene: CACNA1E (calcium voltage-gated channel subunit alpha1 E; plus strand). Cytogenetic location: 1q25.3.
Variant type: single nucleotide variant.
Coding change: c.5772C>G on transcript NM_001205293.3 (MANE Select); coding-DNA position 5772, C replaced by G.
Protein change: p.Asp1924Glu; replaces aspartic acid 1924 with glutamic acid.
Molecular consequence: missense variant.
Genome position (GRCh38, 1-based): chr1:181,785,805, C>G. VCF-style: chr1-181785805-C-G. GRCh37 (hg19) VCF-style: chr1-181754941-C-G.
Other names: c.5715C>G, p.Asp1905Glu (NM_001205294.2); c.5772C>G, p.Asp1924Glu (NM_000721.4); short protein forms D1905E, D1924E.
Identifiers: ClinVar variation 3633688 (VCV003633688.2).